The following is an entry in ClinVar:

NM_001211.6(BUB1B):c.1751T>C (p.Ile584Thr)

Gene: BUB1B (BUB1 mitotic checkpoint serine/threonine kinase B; plus strand). Cytogenetic location: 15q15.1.
Variant type: single nucleotide variant.
Coding change: c.1751T>C on transcript NM_001211.6 (MANE Select); coding-DNA position 1751, T replaced by C.
Protein change: p.Ile584Thr; replaces isoleucine 584 with threonine.
Molecular consequence: missense variant.
Genome position (GRCh38, 1-based): chr15:40,206,200, T>C. VCF-style: chr15-40206200-T-C. GRCh37 (hg19) VCF-style: chr15-40498401-T-C.
Other names: short protein forms I584T.
Identifiers: ClinVar variation 4868005 (VCV004868005.1).

ClinVar aggregate classification (germline): Uncertain significance (1 of 4 stars; one submission).

Conditions:
Inborn genetic diseases. Identifiers: MedGen C0950123, MeSH D030342.

Submission:

Ambry Genetics
Classification: Uncertain significance for Inborn genetic diseases. Last evaluated: 2026-05-16. Review status: criteria provided, single submitter. Criteria: Ambry Variant Classification Scheme 2023. Collection method: clinical testing. Allele origin: germline.
Comment: The p.I584T variant (also known as c.1751T>C), located in coding exon 15 of the BUB1B gene, results from a T to C substitution at nucleotide position 1751. The isoleucine at codon 584 is replaced by threonine, an amino acid with similar properties. This amino acid position is conserved. In addition, this alteration is predicted to be tolerated by in silico analysis. Based on the available evidence, the clinical significance of this variant remains unclear.